The following is an entry in ClinVar:

ClinVar aggregate classification (germline): Uncertain significance (1 of 4 stars; one submission).

Conditions:
Hereditary nonpolyposis colorectal neoplasms. Identifiers: MedGen C0009405, MeSH D003123.

Submission:

Labcorp Genetics (formerly Invitae), Labcorp
Classification: Uncertain significance for Hereditary nonpolyposis colorectal neoplasms. Last evaluated: 2021-12-30. Review status: criteria provided, single submitter. Criteria: Invitae Variant Classification Sherloc (09022015). Collection method: clinical testing. Allele origin: germline.
Comment: In summary, the available evidence is currently insufficient to determine the role of this variant in disease. Therefore, it has been classified as a Variant of Uncertain Significance. Advanced modeling of protein sequence and biophysical properties (such as structural, functional, and spatial information, amino acid conservation, physicochemical variation, residue mobility, and thermodynamic stability) performed at Invitae indicates that this missense variant is not expected to disrupt PMS2 protein function. This variant has not been reported in the literature in individuals affected with PMS2-related conditions. This variant is not present in population databases (gnomAD no frequency). This sequence change replaces phenylalanine, which is neutral and non-polar, with leucine, which is neutral and non-polar, at codon 95 of the PMS2 protein (p.Phe95Leu).

NM_000535.7(PMS2):c.285T>G (p.Phe95Leu)

Gene: PMS2 (PMS1 homolog 2, mismatch repair system component; minus strand). Cytogenetic location: 7p22.1.
Variant type: single nucleotide variant.
Coding change: c.285T>G on transcript NM_000535.7 (MANE Select); coding-DNA position 285, T replaced by G.
Protein change: p.Phe95Leu; replaces phenylalanine 95 with leucine.
Molecular consequence: missense variant. On other transcripts: 5 prime UTR variant (9), non-coding transcript variant (1), intron variant (2).
Genome position (GRCh38, 1-based): chr7:6,003,758, A>C on the plus strand (T>G on the coding strand, the complement: PMS2 is on the minus strand). VCF-style: chr7-6003758-A-C. GRCh37 (hg19) VCF-style: chr7-6043389-A-C.
Other names: c.-121T>G (NM_001322003.2, NM_001322004.2, NM_001322005.2 and 3 more transcripts); c.285T>G, p.Phe95Leu (NM_001322006.2, NM_001322014.2); c.-600T>G (NM_001322011.2, NM_001322012.2); c.-200T>G (NM_001322015.2); c.35+214T>G (NM_001322008.2, NM_001322007.2); short protein forms F95L.
Identifiers: ClinVar variation 1368365 (VCV001368365.8), dbSNP rs1583408820, ClinGen allele CA366744656.